The following is an entry in ClinVar:

ClinVar aggregate classification (germline): Uncertain significance (1 of 4 stars; one submission).

Conditions:
Hereditary cancer-predisposing syndrome. Also called: Tumor predisposition; Hereditary Cancer Syndrome; Neoplastic Syndromes, Hereditary; Hereditary neoplastic syndrome. Identifiers: Orphanet 140162, MedGen C0027672, MeSH D009386, MONDO:0015356.

Submission:

Ambry Genetics
Classification: Uncertain significance for Hereditary cancer-predisposing syndrome. Last evaluated: 2022-09-20. Review status: criteria provided, single submitter. Criteria: Ambry Variant Classification Scheme 2023. Collection method: clinical testing. Allele origin: germline.
Comment: The p.H898L variant (also known as c.2693A>T), located in coding exon 15 of the APC gene, results from an A to T substitution at nucleotide position 2693. The histidine at codon 898 is replaced by leucine, an amino acid with similar properties. This amino acid position is conserved. In addition, in silico predictors for this gene do not accurately predict pathogenicity. Since supporting evidence is limited at this time, the clinical significance of this alteration remains unclear.

NM_000038.6(APC):c.2693A>T (p.His898Leu)

Gene: APC (APC regulator of Wnt signaling pathway; plus strand). Cytogenetic location: 5q22.2.
Variant type: single nucleotide variant.
Coding change: c.2693A>T on transcript NM_000038.6 (MANE Select); coding-DNA position 2693, A replaced by T.
Protein change: p.His898Leu; replaces histidine 898 with leucine.
Molecular consequence: missense variant.
Genome position (GRCh38, 1-based): chr5:112,838,287, A>T. VCF-style: chr5-112838287-A-T. GRCh37 (hg19) VCF-style: chr5-112173984-A-T.
Other names: c.2444A>T, p.His815Leu (NM_001407454.1, NM_001407457.1, NM_001407455.1 and 1 more transcripts); c.2390A>T, p.His797Leu (NM_001407458.1, NM_001354903.2, NM_001407459.1 and 1 more transcripts); c.2693A>T, p.His898Leu (NM_001127510.3, NM_001354895.2, NM_001407450.1); c.2639A>T, p.His880Leu (NM_001127511.3); c.2747A>T, p.His916Leu (NM_001354896.2, NM_001407447.1, NM_001407448.1 and 1 more transcripts); c.2723A>T, p.His908Leu (NM_001354897.2); c.2618A>T, p.His873Leu (NM_001354898.2); c.2609A>T, p.His870Leu (NM_001354899.2); and 11 more; short protein forms H772L, H870L, H888L, H815L, H857L, H898L, H916L, H807L.
Identifiers: ClinVar variation 1794823 (VCV001794823.2), dbSNP rs1580625883, ClinGen allele CA16027211.